The following is an entry in ClinVar:

ClinVar aggregate classification (germline): Uncertain significance. Review status: criteria provided, multiple submitters, no conflicts (2 of 4 stars). 2 submissions from 2 submitters: Uncertain significance (2). Last evaluated 2025-07-22.

Conditions:
Supravalvar aortic stenosis (SVAS). Also called: Supravalvar aortic stenosis, Eisenberg type. Identifiers: Orphanet 3193, MedGen C0003499, MONDO:0008504, OMIM 185500, HP:0004381.

Allele frequency attached by ClinVar (database versions not stated): gnomAD exomes below 0.00001; TOPMed below 0.00001.
gnomAD v4.1: 5 of 1,614,142 alleles (0.00031%); highest among the groups gnomAD compares: Non-Finnish European, 0.00042%; no homozygotes.

Submissions (2):

Labcorp Genetics (formerly Invitae), Labcorp
Classification: Uncertain significance for Supravalvar aortic stenosis. Last evaluated: 2025-07-22. Review status: criteria provided, single submitter. Criteria: Invitae Variant Classification Sherloc (09022015). Collection method: clinical testing. Allele origin: germline.
Comment: This sequence change replaces phenylalanine, which is neutral and non-polar, with serine, which is neutral and polar, at codon 195 of the ELN protein (p.Phe195Ser). This variant is not present in population databases (gnomAD no frequency). This variant has not been reported in the literature in individuals affected with ELN-related conditions. ClinVar contains an entry for this variant (Variation ID: 1704790). Invitae Evidence Modeling of protein sequence and biophysical properties (such as structural, functional, and spatial information, amino acid conservation, physicochemical variation, residue mobility, and thermodynamic stability) has been performed for this missense variant. However, the output from this modeling did not meet the statistical confidence thresholds required to predict the impact of this variant on ELN protein function. In summary, the available evidence is currently insufficient to determine the role of this variant in disease. Therefore, it has been classified as a Variant of Uncertain Significance.

GeneDx
Classification: Uncertain significance. Last evaluated: 2022-03-07. Review status: criteria provided, single submitter. Criteria: GeneDx Variant Classification Process June 2021. Collection method: clinical testing. Allele origin: germline. Affected: yes.
Comment: Has not been previously published as pathogenic or benign to our knowledge; Not observed at significant frequency in large population cohorts (gnomAD); In silico analysis supports that this missense variant has a deleterious effect on protein structure/function

NM_000501.4(ELN):c.584T>C (p.Phe195Ser)

Gene: ELN (elastin; plus strand). Cytogenetic location: 7q11.23.
Variant type: single nucleotide variant.
Coding change: c.584T>C on transcript NM_000501.4 (MANE Select); coding-DNA position 584, T replaced by C.
Protein change: p.Phe195Ser; replaces phenylalanine 195 with serine.
Molecular consequence: missense variant.
Genome position (GRCh38, 1-based): chr7:74,046,708, T>C. VCF-style: chr7-74046708-T-C. GRCh37 (hg19) VCF-style: chr7-73461038-T-C.
Other names: c.554T>C, p.Phe185Ser (NM_001081752.3, NM_001278917.2); c.599T>C, p.Phe200Ser (NM_001081753.3, NM_001081754.3); c.584T>C, p.Phe195Ser (NM_001081755.3, NM_001278912.2, NM_001278915.2 and 2 more transcripts); c.518T>C, p.Phe173Ser (NM_001278913.2); c.569T>C, p.Phe190Ser (NM_001278914.2); c.452T>C, p.Phe151Ser (NM_001278918.2); short protein forms F151S, F173S, F185S, F190S, F195S, F200S.
Identifiers: ClinVar variation 1704790 (VCV001704790.4), dbSNP rs781805707, ClinGen allele CA160128491.
Genomic context (GRCh38, chr7:74,046,708, plus strand): 5'-TTTGGAAGGGGGTGCTGGGACCTGAACTTGCTCTCTTTATTCCCACAGGAGTTGGACCCT[T>C]TGGGGGACCGCAACCTGGAGTCCCACTGGGGTATCCCATCAAGGCCCCCAAGCTGCCTGG-3'
Protein context (NP_000492.2, residues 185-205): AFAGIPGVGP[Phe195Ser]GGPQPGVPLG